The following is an entry in ClinVar:

NM_004230.4(S1PR2):c.570T>C (p.Tyr190=)

Gene: S1PR2 (sphingosine-1-phosphate receptor 2; minus strand). Cytogenetic location: 19p13.2.
Variant type: single nucleotide variant.
Coding change: c.570T>C on transcript NM_004230.4 (MANE Select); coding-DNA position 570, T replaced by C.
Protein change: p.Tyr190=; no amino-acid change (tyrosine 190 retained).
Molecular consequence: synonymous variant.
Genome position (GRCh38, 1-based): chr19:10,224,336, A>G on the plus strand (T>C on the coding strand, the complement: S1PR2 is on the minus strand). VCF-style: chr19-10224336-A-G. GRCh37 (hg19) VCF-style: chr19-10335012-A-G.
Other names: c.570T>C (NM_004230.3).
Identifiers: ClinVar variation 2852787 (VCV002852787.5), dbSNP rs142570783, ClinGen allele CA9189071.

ClinVar aggregate classification (germline): Likely benign. Review status: criteria provided, single submitter (1 of 4 stars). 2 submissions from 2 submitters: Likely benign (1). 1 of the submissions does not count toward it. Last evaluated 2025-10-02.

Conditions:
S1PR2-related disorder. Also called: S1PR2-related condition.

Allele frequency attached by ClinVar (database versions not stated): ESP Exome Variant Server 0.00031; ExAC 0.00007; gnomAD 0.00015; TOPMed 0.00014; gnomAD exomes 0.00024.
gnomAD v4.1: 369 of 1,614,018 alleles (0.023%); highest among the groups gnomAD compares: Non-Finnish European, 0.03%; no homozygotes.

Submissions (2):

Labcorp Genetics (formerly Invitae), Labcorp
Classification: Likely benign. Last evaluated: 2025-10-02. Review status: criteria provided, single submitter. Criteria: Invitae Variant Classification Sherloc (09022015). Collection method: clinical testing. Allele origin: germline.

PreventionGenetics, part of Exact Sciences
Classification: Likely benign for S1PR2-related condition. Last evaluated: 2022-08-31. Review status: no assertion criteria provided. Collection method: clinical testing. Allele origin: germline. Not counted in ClinVar's aggregate classification.
Comment: This variant is classified as likely benign based on ACMG/AMP sequence variant interpretation guidelines (Richards et al. 2015 PMID: 25741868, with internal and published modifications).